The following is an entry in ClinVar:

NM_001491.3(GCNT2):c.396T>C (p.Thr132=)

Gene: GCNT2 (glucosaminyl (N-acetyl) transferase 2 (I blood group); plus strand). Cytogenetic location: 6p24.3.
Variant type: single nucleotide variant.
Coding change: c.396T>C on transcript NM_001491.3 (MANE Plus Clinical); coding-DNA position 396, T replaced by C.
Protein change: p.Thr132=; no amino-acid change (threonine 132 retained).
Molecular consequence: synonymous variant. On other transcripts: intron variant (2).
Genome position (GRCh38, 1-based): chr6:10,556,819, T>C. VCF-style: chr6-10556819-T-C. GRCh37 (hg19) VCF-style: chr6-10557052-T-C.
Other names: c.925+26983T>C (NM_145649.5, NM_001374747.1).
Identifiers: ClinVar variation 3778151 (VCV003778151.7).

ClinVar aggregate classification (germline): Likely benign (1 of 4 stars; one submission).

gnomAD v4.1: 50 of 1,614,086 alleles (0.0031%); highest among the groups gnomAD compares: Middle Eastern, 0.016%; no homozygotes.

Submission:

CeGaT Center for Human Genetics Tuebingen
Classification: Likely benign. Last evaluated: 2025-03-01. Review status: criteria provided, single submitter. Criteria: CeGaT Center For Human Genetics Tuebingen Variant Classification Criteria Version 2. Collection method: clinical testing. Allele origin: germline. Affected: yes. Observed: 1 variant allele.
Comment: GCNT2: BP4, BP7